The following is an entry in ClinVar:

NM_001376.5(DYNC1H1):c.4326T>G (p.Asn1442Lys)

Gene: DYNC1H1 (dynein cytoplasmic 1 heavy chain 1; plus strand). Cytogenetic location: 14q32.31.
Variant type: single nucleotide variant.
Coding change: c.4326T>G on transcript NM_001376.5 (MANE Select); coding-DNA position 4326, T replaced by G.
Protein change: p.Asn1442Lys; replaces asparagine 1442 with lysine.
Molecular consequence: missense variant.
Genome position (GRCh38, 1-based): chr14:102,001,285, T>G. VCF-style: chr14-102001285-T-G. GRCh37 (hg19) VCF-style: chr14-102467622-T-G.
Other names: short protein forms N1442K.
Identifiers: ClinVar variation 3688273 (VCV003688273.3).

ClinVar aggregate classification (germline): Uncertain significance. Review status: criteria provided, multiple submitters, no conflicts (2 of 4 stars). 2 submissions from 2 submitters: Uncertain significance (2). Last evaluated 2025-08-13.

Conditions:
Charcot-Marie-Tooth disease axonal type 2O. Also called: CHARCOT-MARIE-TOOTH NEUROPATHY, AXONAL, TYPE 2O; CHARCOT-MARIE-TOOTH DISEASE, AXONAL, AUTOSOMAL DOMINANT, TYPE 2O; Charcot-Marie-Tooth Neuropathy Type 2O; Charcot-Marie-Tooth disease, axonal, type 20. Identifiers: Orphanet 284232, MedGen C3280220, MONDO:0013644, OMIM 614228.
Inborn genetic diseases. Identifiers: MedGen C0950123, MeSH D030342.

Submissions (2):

Ambry Genetics
Classification: Uncertain significance for Inborn genetic diseases. Last evaluated: 2025-08-13. Review status: criteria provided, single submitter. Criteria: Ambry Variant Classification Scheme 2023. Collection method: clinical testing. Allele origin: germline.

Labcorp Genetics (formerly Invitae), Labcorp
Classification: Uncertain significance for Charcot-Marie-Tooth disease axonal type 2O. Last evaluated: 2024-05-22. Review status: criteria provided, single submitter. Criteria: Invitae Variant Classification Sherloc (09022015). Collection method: clinical testing. Allele origin: germline.
Comment: This sequence change replaces asparagine, which is neutral and polar, with lysine, which is basic and polar, at codon 1442 of the DYNC1H1 protein (p.Asn1442Lys). This variant is not present in population databases (gnomAD no frequency). This variant has not been reported in the literature in individuals affected with DYNC1H1-related conditions. Advanced modeling of protein sequence and biophysical properties (such as structural, functional, and spatial information, amino acid conservation, physicochemical variation, residue mobility, and thermodynamic stability) performed at Invitae indicates that this missense variant is not expected to disrupt DYNC1H1 protein function with a negative predictive value of 95%. In summary, the available evidence is currently insufficient to determine the role of this variant in disease. Therefore, it has been classified as a Variant of Uncertain Significance.